The following is an entry in ClinVar:

NM_138713.4(NFAT5):c.2684C>A (p.Ser895Tyr)

Gene: NFAT5 (nuclear factor of activated T cells 5; plus strand). Cytogenetic location: 16q22.1.
Variant type: single nucleotide variant.
Coding change: c.2684C>A on transcript NM_138713.4 (MANE Select); coding-DNA position 2684, C replaced by A.
Protein change: p.Ser895Tyr; replaces serine 895 with tyrosine.
Molecular consequence: missense variant.
Genome position (GRCh38, 1-based): chr16:69,692,509, C>A. VCF-style: chr16-69692509-C-A. GRCh37 (hg19) VCF-style: chr16-69726412-C-A.
Other names: c.2681C>A, p.Ser894Tyr (NM_001113178.3); c.2009C>A, p.Ser670Tyr (NM_001367709.1); c.2630C>A, p.Ser877Tyr (NM_006599.4); c.2402C>A, p.Ser801Tyr (NM_138714.4, NM_173214.3, NM_173215.3); short protein forms S877Y, S894Y, S895Y, S670Y, S801Y.
Identifiers: ClinVar variation 1492661 (VCV001492661.8), dbSNP rs764512084, ClinGen allele CA396510555.
Genomic context (GRCh38, chr16:69,692,509, plus strand): 5'-CAGATAATTTATTACCTGGAAGAGCTGAAAGTGTTCATCCACAGTCTGAAAACACGTTAT[C>A]TAATCAACAGCAGCAGCAGCAGCAGCAACAGCAAGTGATGGAATCTTCAGCCGCAATGGT-3'
Protein context (NP_619727.2, residues 885-905): SVHPQSENTL[Ser895Tyr]NQQQQQQQQQ

ClinVar aggregate classification (germline): Uncertain significance (1 of 4 stars; one submission).

Conditions:
Immunodeficiency. Identifiers: MedGen C0021051, MONDO:0021094, HP:0002721.

gnomAD v4.1: 1 of 1,614,134 alleles (0.000062%); highest among the groups gnomAD compares: Non-Finnish European, 0.000085%; no homozygotes.

Submission:

Labcorp Genetics (formerly Invitae), Labcorp
Classification: Uncertain significance for Immunodeficiency. Last evaluated: 2025-10-26. Review status: criteria provided, single submitter. Criteria: Invitae Variant Classification Sherloc (09022015). Collection method: clinical testing. Allele origin: germline.
Comment: This sequence change replaces serine, which is neutral and polar, with tyrosine, which is neutral and polar, at codon 801 of the NFAT5 protein (p.Ser801Tyr). This variant is not present in population databases (gnomAD no frequency). This variant has not been reported in the literature in individuals affected with NFAT5-related conditions. ClinVar contains an entry for this variant (Variation ID: 1492661). An algorithm developed to predict the effect of missense changes on protein structure and function (PolyPhen-2) suggests that this variant is likely to be disruptive. In summary, the available evidence is currently insufficient to determine the role of this variant in disease. Therefore, it has been classified as a Variant of Uncertain Significance.